The following is an entry in ClinVar:

NM_000203.5(IDUA):c.536C>A (p.Thr179Lys)

Gene: IDUA (alpha-L-iduronidase; plus strand). Cytogenetic location: 4p16.3.
Variant type: single nucleotide variant.
Coding change: c.536C>A on transcript NM_000203.5 (MANE Select); coding-DNA position 536, C replaced by A.
Protein change: p.Thr179Lys; replaces threonine 179 with lysine.
Molecular consequence: missense variant. On other transcripts: non-coding transcript variant (1).
Genome position (GRCh38, 1-based): chr4:1,001,510, C>A. VCF-style: chr4-1001510-C-A. GRCh37 (hg19) VCF-style: chr4-995298-C-A.
Other names: c.140C>A, p.Thr47Lys (NM_001363576.1); short protein forms T179K, T47K.
Identifiers: ClinVar variation 2734636 (VCV002734636.3), dbSNP rs776098539, ClinGen allele CA355961717.
Genomic context (GRCh38, chr4:1,001,510, plus strand): 5'-AGCAAGGCTCCTCTGCAGGTAGGTACGGACTGGCGCATGTTTCCAAGTGGAACTTCGAGA[C>A]GTGGAATGAGCCAGACCACCACGACTTTGACAACGTCTCCATGACCATGCAAGGTGTGCA-3'
Protein context (NP_000194.2, residues 169-189): LAHVSKWNFE[Thr179Lys]WNEPDHHDFD

ClinVar aggregate classification (germline): Likely pathogenic (1 of 4 stars; one submission).

Conditions:
Mucopolysaccharidosis type 1. Also called: Mucopolysaccharidosis Type I; IDUA deficiency; MPS I. Identifiers: Orphanet 579, MedGen C0023786, MONDO:0001586.

Submission:

Labcorp Genetics (formerly Invitae), Labcorp
Classification: Likely pathogenic for Mucopolysaccharidosis type 1. Last evaluated: 2023-07-16. Review status: criteria provided, single submitter. Criteria: Invitae Variant Classification Sherloc (09022015). Collection method: clinical testing. Allele origin: germline.
Comment: This sequence change replaces threonine, which is neutral and polar, with lysine, which is basic and polar, at codon 179 of the IDUA protein (p.Thr179Lys). In summary, the currently available evidence indicates that the variant is pathogenic, but additional data are needed to prove that conclusively. Therefore, this variant has been classified as Likely Pathogenic. This variant disrupts the p.Thr179 amino acid residue in IDUA. Other variant(s) that disrupt this residue have been determined to be pathogenic (PMID: 21480867, 32670797). This suggests that this residue is clinically significant, and that variants that disrupt this residue are likely to be disease-causing. Advanced modeling of protein sequence and biophysical properties (such as structural, functional, and spatial information, amino acid conservation, physicochemical variation, residue mobility, and thermodynamic stability) performed at Invitae indicates that this missense variant is expected to disrupt IDUA protein function. This missense change has been observed in individual(s) with mucopolysaccharidosis I (PMID: 28752568). This variant is not present in population databases (gnomAD no frequency).

Literature cited by the submitters: PubMed 21480867; PubMed 32670797; PubMed 28752568.